The following is an entry in ClinVar:

ClinVar aggregate classification (germline): Likely benign. Review status: criteria provided, multiple submitters, no conflicts (2 of 4 stars). 6 submissions from 6 submitters: Likely benign (5). 1 of the submissions does not count toward it. Last evaluated 2025-06-19.

Conditions:
Cardiovascular phenotype. Identifiers: MedGen CN230736.
MYH7-related disorder. Also called: MYH7-related condition; MYH7-related disease; MYH7-related disorders.
Cardiomyopathy (CMYO). Also called: Cardiomyopathies. Identifiers: Orphanet 167848, MedGen C0878544, MONDO:0004994, HP:0001638. Inheritance: Various modes of inheritance.
Hypertrophic cardiomyopathy. Also called: HYPERTROPHIC MYOCARDIOPATHY. Identifiers: Orphanet 217569, MedGen C0007194, MeSH D002312, MONDO:0005045, HP:0001639.

Allele frequency attached by ClinVar (database versions not stated): gnomAD exomes below 0.00001 and 0.00001; gnomAD 0.00001 and 0.00002; TOPMed 0.00001; ExAC 0.00002; 1000 Genomes Project 30x 0.00016; 1000 Genomes Project 0.00020.
gnomAD v4.1: 22 of 1,613,686 alleles (0.0014%); highest among the groups gnomAD compares: African/African-American, 0.0027%; no homozygotes.

Submissions (6):

Labcorp Genetics (formerly Invitae), Labcorp
Classification: Likely benign for Hypertrophic cardiomyopathy. Last evaluated: 2025-06-19. Review status: criteria provided, single submitter. Criteria: Invitae Variant Classification Sherloc (09022015). Collection method: clinical testing. Allele origin: germline.

All of Us Research Program, National Institutes of Health
Classification: Likely benign for Cardiomyopathy. Last evaluated: 2024-03-24. Review status: criteria provided, single submitter. Criteria: ACMG Guidelines, 2015. Collection method: clinical testing. Allele origin: germline. Inheritance: Autosomal dominant inheritance. Observed: 4 variant alleles, 4 heterozygotes.
Comment: This study involves interpretation of variants in research participants for the purpose of population health screening. Participant phenotype was not available at the time of variant classification. Additional details can be found in publication PMID: 35346344, PMCID: PMC8962531

Color Diagnostics, LLC DBA Color Health
Classification: Likely benign for Cardiomyopathy. Last evaluated: 2023-01-03. Review status: criteria provided, single submitter. Criteria: ACMG Guidelines, 2015. Collection method: clinical testing. Allele origin: germline.

Ambry Genetics
Classification: Likely benign for Cardiovascular phenotype. Last evaluated: 2022-09-24. Review status: criteria provided, single submitter. Criteria: Ambry Variant Classification Scheme 2023. Collection method: clinical testing. Allele origin: germline.

Blueprint Genetics
Classification: Likely benign. Last evaluated: 2021-07-16. Review status: criteria provided, single submitter. Criteria: ACMG Guidelines, 2015. Collection method: clinical testing. Allele origin: germline.

PreventionGenetics, part of Exact Sciences
Classification: Likely benign for MYH7-related condition. Last evaluated: 2020-11-02. Review status: no assertion criteria provided. Collection method: clinical testing. Allele origin: germline. Not counted in ClinVar's aggregate classification.
Comment: This variant is classified as likely benign based on ACMG/AMP sequence variant interpretation guidelines (Richards et al. 2015 PMID: 25741868, with internal and published modifications).

NM_000257.4(MYH7):c.4098G>A (p.Ser1366=)

Gene: MYH7 (myosin heavy chain 7; minus strand). Cytogenetic location: 14q11.2.
Variant type: single nucleotide variant.
Coding change: c.4098G>A on transcript NM_000257.4 (MANE Select); coding-DNA position 4098, G replaced by A.
Protein change: p.Ser1366=; no amino-acid change (serine 1366 retained).
Molecular consequence: synonymous variant.
Genome position (GRCh38, 1-based): chr14:23,418,281, C>T on the plus strand (G>A on the coding strand, the complement: MYH7 is on the minus strand). VCF-style: chr14-23418281-C-T. GRCh37 (hg19) VCF-style: chr14-23887490-C-T.
Identifiers: ClinVar variation 699378 (VCV000699378.18), dbSNP rs534379369, ClinGen allele CA040408.